The following is an entry in ClinVar:

NM_001267550.2(TTN):c.58474_58480del (p.Val19492fs)

Genes: TTN (titin; minus strand), TTN-AS1 (TTN antisense RNA 1; plus strand). Cytogenetic location: 2q31.2.
Variant type: Deletion.
Coding change: c.58474_58480del on transcript NM_001267550.2 (MANE Select); coding-DNA positions 58474 to 58480, 7 bases deleted (GTGACCA; older notation c.58474_58480delGTGACCA).
Protein change: p.Val19492fs; shifts the reading frame from valine 19492.
Molecular consequence: frameshift variant.
Genome position (GRCh38, 1-based): chr2:178,593,820-178,593,826, TGGTCAC deleted on the plus strand (GTGACCA on the coding strand, the reverse complement: TTN is on the minus strand). VCF-style (leftmost placement, unchanged base first): chr2-178593819-TTGGTCAC-T. GRCh37 (hg19) VCF-style: chr2-179458546-TTGGTCAC-T.
Other names: c.53551_53557del, p.Val17851fs (NM_001256850.1); c.31279_31285del, p.Val10427fs (NM_003319.4); c.50770_50776del, p.Val16924fs (NM_133378.4); c.31654_31660del, p.Val10552fs (NM_133432.3); c.31855_31861del, p.Val10619fs (NM_133437.4); c.31279_31285delGTGACCA (NM_003319.4); short protein forms V16924fs, V10427fs, V10619fs, V19492fs, V10552fs, V17851fs.
Identifiers: ClinVar variation 2451922 (VCV002451922.6), dbSNP rs2469599218, ClinGen allele CA2580064647.

ClinVar aggregate classification (germline): Likely pathogenic. Review status: criteria provided, multiple submitters, no conflicts (2 of 4 stars). 2 submissions from 2 submitters: Likely pathogenic (2). Last evaluated 2024-10-11.

Conditions:
Autosomal recessive limb-girdle muscular dystrophy type 2J (LGMDR10). Also called: Limb-girdle muscular dystrophy, type 2J; MUSCULAR DYSTROPHY, LIMB-GIRDLE, AUTOSOMAL RECESSIVE 10. Identifiers: Orphanet 140922, MedGen C1837342, MONDO:0012127, OMIM 608807.
Dilated cardiomyopathy 1G (CMD1G). Identifiers: Orphanet 154, MedGen C1858763, MONDO:0011400, OMIM 604145.
Cardiovascular phenotype. Identifiers: MedGen CN230736.

Submissions (2):

Ambry Genetics
Classification: Likely pathogenic for Cardiovascular phenotype. Last evaluated: 2024-10-11. Review status: criteria provided, single submitter. Criteria: Ambry Variant Classification Scheme 2023. Collection method: clinical testing. Allele origin: germline.
Comment: The c.31279_31285delGTGACCA variant, located in coding exon 125 of the TTN gene, results from a deletion of 7 nucleotides at nucleotide positions 31279 to 31285, causing a translational frameshift with a predicted alternate stop codon (p.V10427Kfs*12). This exon is located in the A-band region of the N2-B isoform of the titin protein and is constitutively expressed in TTN transcripts (percent spliced in or PSI 100%). This variant is considered to be rare based on population cohorts in the Genome Aggregation Database (gnomAD). This alteration is expected to result in loss of function by premature protein truncation or nonsense-mediated mRNA decay. While truncating variants in TTN are present in 1-3% of the general population, truncating variants in the A-band are the most common cause of dilated cardiomyopathy (DCM) (Herman DS et al. N. Engl. J. Med., 2012 Feb;366:619-28; Roberts AM et al. Sci Transl Med, 2015 Jan;7:270ra6). TTN truncating variants encoded in constitutive exons (PSI >90%) have been found to be significantly associated with DCM regardless of their position in titin (Schafer S et al. Nat. Genet., 2017 01;49:46-53). Based on the majority of available evidence to date, this variant is likely to be pathogenic.

Labcorp Genetics (formerly Invitae), Labcorp
Classification: Likely pathogenic for Dilated cardiomyopathy 1G; Autosomal recessive limb-girdle muscular dystrophy type 2J. Last evaluated: 2023-02-02. Review status: criteria provided, single submitter. Criteria: Invitae Variant Classification Sherloc (09022015). Collection method: clinical testing. Allele origin: germline.
Comment: In summary, the currently available evidence indicates that the variant is pathogenic, but additional data are needed to prove that conclusively. Therefore, this variant has been classified as Likely Pathogenic. This variant is located in the A band of TTN (PMID: 25589632). Truncating variants in this region are significantly overrepresented in patients affected with dilated cardiomyopathy (PMID: 25589632). Truncating variants in this region have also been reported in individuals affected with autosomal recessive centronuclear myopathy (PMID: 23975875). This variant has not been reported in the literature in individuals affected with TTN-related conditions. This variant is not present in population databases (gnomAD no frequency). This sequence change creates a premature translational stop signal (p.Val19492Lysfs*12) in the TTN gene. While this is not anticipated to result in nonsense mediated decay, it is expected to create a truncated TTN protein.

Literature cited by the submitters: PubMed 25589632 (cited by Labcorp Genetics (formerly Invitae), Labcorp); PubMed 23975875 (cited by Labcorp Genetics (formerly Invitae), Labcorp).